The following is an entry in ClinVar:

NM_033448.3(KRT71):c.1402C>T (p.Arg468Trp)

Gene: KRT71 (keratin 71; minus strand). Cytogenetic location: 12q13.13.
Variant type: single nucleotide variant.
Coding change: c.1402C>T on transcript NM_033448.3 (MANE Select); coding-DNA position 1402, C replaced by T.
Protein change: p.Arg468Trp; replaces arginine 468 with tryptophan.
Molecular consequence: missense variant.
Genome position (GRCh38, 1-based): chr12:52,544,702, G>A on the plus strand (C>T on the coding strand, the complement: KRT71 is on the minus strand). VCF-style: chr12-52544702-G-A. GRCh37 (hg19) VCF-style: chr12-52938486-G-A.
Other names: short protein forms R468W.
Identifiers: ClinVar variation 2349747 (VCV002349747.4), dbSNP rs143102155, ClinGen allele CA6583052.
Genomic context (GRCh38, chr12:52,544,702, plus strand): 5'-ACACTCCAGAGATGCAGTTGCTGCTGTTGGCCACATAGCCACCGCTGACCATGCTGGGCC[G>A]GAAGCCATAGACACTGCCGCCACTGGTGCTGCTGATGATGGCTGCAGGAGGAGCCGAAGC-3'
Protein context (NP_258259.1, residues 458-478): STSGGSVYGF[Arg468Trp]PSMVSGGYVA

ClinVar aggregate classification (germline): Uncertain significance. Review status: criteria provided, multiple submitters, no conflicts (2 of 4 stars). 2 submissions from 2 submitters: Uncertain significance (2). Last evaluated 2024-09-21.

Allele frequency attached by ClinVar (database versions not stated): gnomAD exomes 0.00003; ExAC 0.00004; ESP Exome Variant Server 0.00015; TOPMed 0.00023; gnomAD 0.00027; 1000 Genomes Project 30x 0.00031; 1000 Genomes Project 0.00040.

Submissions (2):

Labcorp Genetics (formerly Invitae), Labcorp
Classification: Uncertain significance. Last evaluated: 2024-09-21. Review status: criteria provided, single submitter. Criteria: Invitae Variant Classification Sherloc (09022015). Collection method: clinical testing. Allele origin: germline.
Comment: This sequence change replaces arginine, which is basic and polar, with tryptophan, which is neutral and slightly polar, at codon 468 of the KRT71 protein (p.Arg468Trp). This variant is present in population databases (rs143102155, gnomAD 0.07%), and has an allele count higher than expected for a pathogenic variant. This variant has not been reported in the literature in individuals affected with KRT71-related conditions. ClinVar contains an entry for this variant (Variation ID: 2349747). Invitae Evidence Modeling of protein sequence and biophysical properties (such as structural, functional, and spatial information, amino acid conservation, physicochemical variation, residue mobility, and thermodynamic stability) indicates that this missense variant is expected to disrupt KRT71 protein function with a positive predictive value of 80%. In summary, the available evidence is currently insufficient to determine the role of this variant in disease. Therefore, it has been classified as a Variant of Uncertain Significance.

Ambry Genetics
Classification: Uncertain significance. Last evaluated: 2021-06-22. Review status: criteria provided, single submitter. Criteria: Ambry Variant Classification Scheme 2023. Collection method: clinical testing. Allele origin: germline.